The following is an entry in ClinVar:

ClinVar aggregate classification (germline): Uncertain significance (1 of 4 stars; one submission).

Submission:

GeneDx
Classification: Uncertain significance. Last evaluated: 2025-05-29. Review status: criteria provided, single submitter. Criteria: GeneDx Variant Classification Process June 2021. Collection method: clinical testing. Allele origin: germline. Affected: yes.
Comment: Not observed at significant frequency in large population cohorts (gnomAD); In silico analysis suggests that this missense variant does not alter protein structure/function; Has not been previously published as pathogenic or benign to our knowledge

NM_000489.6(ATRX):c.7030G>A (p.Ala2344Thr)

Gene: ATRX (ATRX chromatin remodeler; minus strand). Cytogenetic location: Xq21.1.
Variant type: single nucleotide variant.
Coding change: c.7030G>A on transcript NM_000489.6 (MANE Select); coding-DNA position 7030, G replaced by A.
Protein change: p.Ala2344Thr; replaces alanine 2344 with threonine.
Molecular consequence: missense variant.
Genome position (GRCh38, 1-based): chrX:77,521,444, C>T on the plus strand (G>A on the coding strand, the complement: ATRX is on the minus strand). VCF-style: chrX-77521444-C-T. GRCh37 (hg19) VCF-style: chrX-76776922-C-T.
Other names: c.6916G>A, p.Ala2306Thr (NM_138270.5); short protein forms A2306T, A2344T.
Identifiers: ClinVar variation 4532550 (VCV004532550.1).